The following is an entry in ClinVar:

ClinVar aggregate classification (germline): Uncertain significance (1 of 4 stars; one submission).

Submission:

Labcorp Genetics (formerly Invitae), Labcorp
Classification: Uncertain significance. Last evaluated: 2022-06-08. Review status: criteria provided, single submitter. Criteria: Invitae Variant Classification Sherloc (09022015). Collection method: clinical testing. Allele origin: germline.
Comment: This sequence change replaces arginine, which is basic and polar, with leucine, which is neutral and non-polar, at codon 1234 of the SKIV2L protein (p.Arg1234Leu). This variant is not present in population databases (gnomAD no frequency). This variant has not been reported in the literature in individuals affected with SKIV2L-related conditions. Algorithms developed to predict the effect of missense changes on protein structure and function are either unavailable or do not agree on the potential impact of this missense change (SIFT: "Deleterious"; PolyPhen-2: "Possibly Damaging"; Align-GVGD: "Class C0"). In summary, the available evidence is currently insufficient to determine the role of this variant in disease. Therefore, it has been classified as a Variant of Uncertain Significance.

NM_006929.5(SKIC2):c.3701G>T (p.Arg1234Leu)

Gene: SKIC2 (SKI2 subunit of superkiller complex; plus strand). Cytogenetic location: 6p21.33.
Variant type: single nucleotide variant.
Coding change: c.3701G>T on transcript NM_006929.5 (MANE Select); coding-DNA position 3701, G replaced by T.
Protein change: p.Arg1234Leu; replaces arginine 1234 with leucine.
Molecular consequence: missense variant.
Genome position (GRCh38, 1-based): chr6:31,969,675, G>T. VCF-style: chr6-31969675-G-T. GRCh37 (hg19) VCF-style: chr6-31937452-G-T.
Other names: short protein forms R1234L.
Identifiers: ClinVar variation 2003578 (VCV002003578.1), dbSNP rs142540780, ClinGen allele CA363492334.